The following is an entry in ClinVar:

ClinVar aggregate classification (germline): Uncertain significance. Review status: criteria provided, multiple submitters, no conflicts (2 of 4 stars). 3 submissions from 3 submitters: Uncertain significance (3). Last evaluated 2025-10-14.

Conditions:
Familial colorectal cancer type X. Identifiers: Orphanet 440437, MedGen C3896578, MONDO:0018604.
Polymerase proofreading-related adenomatous polyposis. Also called: Polymerase proofreading associated polyposis; Polymerase proofreading–associated polyposis (PPAP). Identifiers: Orphanet 447877, MedGen C5202613, MONDO:0018653.
Hereditary cancer-predisposing syndrome. Also called: Neoplastic Syndromes, Hereditary; Tumor predisposition; Hereditary Cancer Syndrome; Hereditary neoplastic syndrome. Identifiers: Orphanet 140162, MedGen C0027672, MeSH D009386, MONDO:0015356.

Allele frequency attached by ClinVar (database versions not stated): gnomAD exomes below 0.00001 and 0.00003; gnomAD 0.00001; TOPMed 0.00001.
gnomAD v4.1: 43 of 1,613,246 alleles (0.0027%); highest among the groups gnomAD compares: Non-Finnish European, 0.0036%; no homozygotes.

Submissions (3):

Labcorp Genetics (formerly Invitae), Labcorp
Classification: Uncertain significance. Last evaluated: 2025-10-14. Review status: criteria provided, single submitter. Criteria: Invitae Variant Classification Sherloc (09022015). Collection method: clinical testing. Allele origin: germline.
Comment: This sequence change replaces methionine, which is neutral and non-polar, with leucine, which is neutral and non-polar, at codon 667 of the POLE protein (p.Met667Leu). This variant is present in population databases (no rsID available, gnomAD 0.002%). This variant has not been reported in the literature in individuals affected with POLE-related conditions. ClinVar contains an entry for this variant (Variation ID: 473500). Invitae Evidence Modeling of protein sequence and biophysical properties (such as structural, functional, and spatial information, amino acid conservation, physicochemical variation, residue mobility, and thermodynamic stability) indicates that this missense variant is not expected to disrupt POLE protein function with a negative predictive value of 80%. In summary, the available evidence is currently insufficient to determine the role of this variant in disease. Therefore, it has been classified as a Variant of Uncertain Significance.

Ambry Genetics
Classification: Uncertain significance for Hereditary cancer-predisposing syndrome. Last evaluated: 2025-10-01. Review status: criteria provided, single submitter. Criteria: Ambry Variant Classification Scheme 2023. Collection method: clinical testing. Allele origin: germline.
Comment: The p.M667L variant (also known as c.1999A>C), located in coding exon 18 of the POLE gene, results from an A to C substitution at nucleotide position 1999. The methionine at codon 667 is replaced by leucine, an amino acid with highly similar properties. This amino acid position is conserved. In addition, the in silico prediction for this alteration is inconclusive. Since supporting evidence is limited at this time, the clinical significance of this alteration remains unclear.

Department of Pathology and Laboratory Medicine, Sinai Health System
Classification: Uncertain significance for Polymerase proofreading-related adenomatous polyposis; Familial colorectal cancer type X. Last evaluated: 2021-05-03. Review status: criteria provided, single submitter. Criteria: ACMG Guidelines, 2015. Collection method: clinical testing. Allele origin: germline. Affected: yes.

NM_006231.4(POLE):c.1999A>C (p.Met667Leu)

Gene: POLE (DNA polymerase epsilon, catalytic subunit; minus strand). Cytogenetic location: 12q24.33.
Variant type: single nucleotide variant.
Coding change: c.1999A>C on transcript NM_006231.4 (MANE Select); coding-DNA position 1999, A replaced by C.
Protein change: p.Met667Leu; replaces methionine 667 with leucine.
Molecular consequence: missense variant.
Genome position (GRCh38, 1-based): chr12:132,668,662, T>G on the plus strand (A>C on the coding strand, the complement: POLE is on the minus strand). VCF-style: chr12-132668662-T-G. GRCh37 (hg19) VCF-style: chr12-133245248-T-G.
Other names: short protein forms M667L.
Identifiers: ClinVar variation 473500 (VCV000473500.15), dbSNP rs1418383181, ClinGen allele CA387354798.
Genomic context (GRCh38, chr12:132,668,662, plus strand): 5'-CACCGAGTGCCCACCCAGGCGGCCGACACTCACTGAACTCGCCCCTCCACTGCCAGGCCA[T>G]CTTCCGCTGGCAGTTTGCTCCAGGCTTATTGAAGTCACAGGCAGCACAGGTGGCTTCGTC-3'
Protein context (NP_006222.2, residues 657-677): NKPGANCQRK[Met667Leu]AWQWRGEFMP